The following is an entry in ClinVar:

NM_201599.3(ZMYM3):c.702G>A (p.Pro234=)

Gene: ZMYM3 (zinc finger MYM-type containing 3; minus strand). Cytogenetic location: Xq13.1.
Variant type: single nucleotide variant.
Coding change: c.702G>A on transcript NM_201599.3 (MANE Select); coding-DNA position 702, G replaced by A.
Protein change: p.Pro234=; no amino-acid change (proline 234 retained).
Molecular consequence: synonymous variant.
Genome position (GRCh38, 1-based): chrX:71,251,567, C>T on the plus strand (G>A on the coding strand, the complement: ZMYM3 is on the minus strand). VCF-style: chrX-71251567-C-T. GRCh37 (hg19) VCF-style: chrX-70471417-C-T.
Other names: c.702G>A, p.Pro234= (NM_001171162.1, NM_001171163.1, NM_005096.3).
Identifiers: ClinVar variation 3047595 (VCV003047595.2), dbSNP rs201097988, ClinGen allele CA10445906.
Genomic context (GRCh38, chrX:71,251,567, plus strand): 5'-CTTCCCAGAGCTAAGGGGGAACCAGACTCCTTCCAATCCCCTCCCCCTCACCCGTTCAGG[C>T]GGCTTCTCACTCGCCTTCGCAGTCAGGCCATCTCCTGCAAAGGAAGCAGAAGGCAGCCTA-3'
Protein context (NP_963893.1, residues 224-244): DGLTAKASEK[Pro234=]PERKRSERVR

ClinVar aggregate classification (germline): Likely benign (0 of 4 stars; one submission).

Conditions:
ZMYM3-related disorder. Also called: ZMYM3-related condition.

Allele frequency attached by ClinVar (database versions not stated): TOPMed 0.00002; gnomAD 0.00003; ESP Exome Variant Server 0.00009; ExAC 0.00014; 1000 Genomes Project 0.00026; 1000 Genomes Project 30x 0.00042.

Submission:

PreventionGenetics, part of Exact Sciences
Classification: Likely benign for ZMYM3-related condition. Last evaluated: 2019-02-20. Review status: no assertion criteria provided. Collection method: clinical testing. Allele origin: germline.
Comment: This variant is classified as likely benign based on ACMG/AMP sequence variant interpretation guidelines (Richards et al. 2015 PMID: 25741868, with internal and published modifications).